The following is an entry in ClinVar:

ClinVar aggregate classification (germline): Uncertain significance. Review status: criteria provided, multiple submitters, no conflicts (2 of 4 stars). 4 submissions from 4 submitters: Uncertain significance (4). Last evaluated 2026-02-10.

Conditions:
Autosomal recessive limb-girdle muscular dystrophy type 2Q (LGMDR17). Also called: MUSCULAR DYSTROPHY, LIMB-GIRDLE, AUTOSOMAL RECESSIVE 17. Identifiers: Orphanet 254361, MedGen C3150989, MONDO:0013390, OMIM 613723.
Epidermolysis bullosa simplex 5B, with muscular dystrophy (EBS5B). Also called: EPIDERMOLYSIS BULLOSA SIMPLEX AND LIMB-GIRDLE MUSCULAR DYSTROPHY; Epidermolysis bullosa simplex with muscular dystrophy. Identifiers: Orphanet 257, MedGen C2931072, MONDO:0009181, OMIM 226670.
Epidermolysis bullosa simplex, Ogna type (EBS5A). Also called: Pidermolysis bullosa simplex 5A, Ogna type; EPIDERMOLYSIS BULLOSA SIMPLEX 5A, OGNA TYPE. Identifiers: Orphanet 79401, MedGen C0432317, MONDO:0007555, OMIM 131950.
Epidermolysis bullosa simplex with nail dystrophy (EBS5D). Identifiers: MedGen C4225309, MONDO:0014661, OMIM 616487.
Epidermolysis bullosa simplex 5C, with pyloric atresia (EBS5C). Also called: PLEC-Related Epidermolysis Bullosa with Pyloric Atresia; Epidermolysis bullosa simplex with pyloric atresia; PLEC1-Related Epidermolysis Bullosa with Pyloric Atresia. Identifiers: Orphanet 158684, MedGen C2677349, MONDO:0012807, OMIM 612138.
PLEC-related disorder. Also called: PLEC-related disorders; PLEC-related condition.

Allele frequency attached by ClinVar (database versions not stated): 1000 Genomes Project 30x 0.00016; TOPMed 0.00028; gnomAD 0.00013.
gnomAD v4.1: 48 of 1,612,752 alleles (0.003%); highest among the groups gnomAD compares: Admixed American, 0.052%; no homozygotes.

Submissions (4):

PreventionGenetics, part of Exact Sciences
Classification: Uncertain significance for PLEC-related condition. Last evaluated: 2026-02-10. Review status: criteria provided, single submitter. Criteria: ACMG Guidelines, 2015. Collection method: clinical testing. Allele origin: germline.
Comment: The PLEC c.1382G>A variant is predicted to result in the amino acid substitution p.Arg461Gln. To our knowledge, this variant has not been reported in the literature. This variant is reported in 0.014% of alleles in individuals of Latino descent in gnomAD. At this time, the clinical significance of this variant is uncertain due to the absence of conclusive functional and genetic evidence.

Labcorp Genetics (formerly Invitae), Labcorp
Classification: Uncertain significance for Autosomal recessive limb-girdle muscular dystrophy type 2Q; Epidermolysis bullosa simplex, Ogna type; Epidermolysis bullosa simplex with nail dystrophy; Epidermolysis bullosa simplex 5C, with pyloric atresia; Epidermolysis bullosa simplex 5B, with muscular dystrophy. Last evaluated: 2025-12-03. Review status: criteria provided, single submitter. Criteria: Invitae Variant Classification Sherloc (09022015). Collection method: clinical testing. Allele origin: germline.
Comment: This sequence change replaces arginine, which is basic and polar, with glutamine, which is neutral and polar, at codon 461 of the PLEC protein (p.Arg461Gln). This variant is present in population databases (rs201336009, gnomAD 0.01%). This variant has not been reported in the literature in individuals affected with PLEC-related conditions. ClinVar contains an entry for this variant (Variation ID: 478791). Experimental studies and prediction algorithms are not available or were not evaluated, and the functional significance of this variant is currently unknown. In summary, the available evidence is currently insufficient to determine the role of this variant in disease. Therefore, it has been classified as a Variant of Uncertain Significance.

Revvity Omics, Revvity
Classification: Uncertain significance. Last evaluated: 2021-11-11. Review status: criteria provided, single submitter. Criteria: ACMG Guidelines, 2015. Collection method: clinical testing. Allele origin: germline.

Eurofins Ntd Llc (ga)
Classification: Uncertain significance. Last evaluated: 2017-01-06. Review status: criteria provided, single submitter. Criteria: EGL Classification Definitions 2015. Collection method: clinical testing. Allele origin: germline. Observed: 5 variant alleles, 5 heterozygotes.

NM_201384.3(PLEC):c.1301G>A (p.Arg434Gln)

Gene: PLEC (plectin; minus strand). Cytogenetic location: 8q24.3.
Variant type: single nucleotide variant.
Coding change: c.1301G>A on transcript NM_201384.3 (MANE Select); coding-DNA position 1301, G replaced by A.
Protein change: p.Arg434Gln; replaces arginine 434 with glutamine.
Molecular consequence: missense variant.
Genome position (GRCh38, 1-based): chr8:143,933,314, C>T on the plus strand (G>A on the coding strand, the complement: PLEC is on the minus strand). VCF-style: chr8-143933314-C-T. GRCh37 (hg19) VCF-style: chr8-145007482-C-T.
Other names: c.1382G>A, p.Arg461Gln (NM_000445.5); c.1259G>A, p.Arg420Gln (NM_201378.4); c.1235G>A, p.Arg412Gln (NM_201379.3); c.1712G>A, p.Arg571Gln (NM_201380.4); c.1205G>A, p.Arg402Gln (NM_201381.3); c.1301G>A, p.Arg434Gln (NM_201382.4); c.1313G>A, p.Arg438Gln (NM_201383.3); short protein forms R402Q, R420Q, R434Q, R438Q, R461Q, R571Q, R412Q.
Identifiers: ClinVar variation 478791 (VCV000478791.15), dbSNP rs201336009, ClinGen allele CA4928025.